The following is an entry in ClinVar:

ClinVar aggregate classification (germline): Uncertain significance (1 of 4 stars; one submission).

Conditions:
Inborn genetic diseases. Identifiers: MedGen C0950123, MeSH D030342.

Submission:

Ambry Genetics
Classification: Uncertain significance for Inborn genetic diseases. Last evaluated: 2024-04-12. Review status: criteria provided, single submitter. Criteria: Ambry Variant Classification Scheme 2023. Collection method: clinical testing. Allele origin: germline.
Comment: The p.R743S variant (also known as c.2229G>T), located in coding exon 10 of the ATR gene, results from a G to T substitution at nucleotide position 2229. The arginine at codon 743 is replaced by serine, an amino acid with dissimilar properties. This amino acid position is conserved. In addition, this alteration is predicted to be tolerated by in silico analysis. Based on the available evidence, the clinical significance of this variant remains unclear.

NM_001184.4(ATR):c.2229G>T (p.Arg743Ser)

Gene: ATR (ATR serine/threonine kinase; minus strand). Cytogenetic location: 3q23.
Variant type: single nucleotide variant.
Coding change: c.2229G>T on transcript NM_001184.4 (MANE Select); coding-DNA position 2229, G replaced by T.
Protein change: p.Arg743Ser; replaces arginine 743 with serine.
Molecular consequence: missense variant.
Genome position (GRCh38, 1-based): chr3:142,555,989, C>A on the plus strand (G>T on the coding strand, the complement: ATR is on the minus strand). VCF-style: chr3-142555989-C-A. GRCh37 (hg19) VCF-style: chr3-142274831-C-A.
Other names: c.2037G>T, p.Arg679Ser (NM_001354579.2); short protein forms R743S, R679S.
Identifiers: ClinVar variation 3331543 (VCV003331543.1).